The following is an entry in ClinVar:

NM_001852.4(COL9A2):c.1753G>C (p.Val585Leu)

Gene: COL9A2 (collagen type IX alpha 2 chain; minus strand). Cytogenetic location: 1p34.2.
Variant type: single nucleotide variant.
Coding change: c.1753G>C on transcript NM_001852.4 (MANE Select); coding-DNA position 1753, G replaced by C.
Protein change: p.Val585Leu; replaces valine 585 with leucine.
Molecular consequence: missense variant.
Genome position (GRCh38, 1-based): chr1:40,302,660, C>G on the plus strand (G>C on the coding strand, the complement: COL9A2 is on the minus strand). VCF-style: chr1-40302660-C-G. GRCh37 (hg19) VCF-style: chr1-40768332-C-G.
Other names: short protein forms V585L.
Identifiers: ClinVar variation 3368948 (VCV003368948.1).

ClinVar aggregate classification (germline): Uncertain significance (1 of 4 stars; one submission).

Submission:

GeneDx
Classification: Uncertain significance. Last evaluated: 2024-02-06. Review status: criteria provided, single submitter. Criteria: GeneDx Variant Classification Process June 2021. Collection method: clinical testing. Allele origin: germline. Affected: yes.
Comment: Has not been previously published as pathogenic or benign to our knowledge; Not observed at significant frequency in large population cohorts (gnomAD); In silico analysis supports that this missense variant does not alter protein structure/function